The following is an entry in ClinVar:

ClinVar aggregate classification (germline): Likely benign (1 of 4 stars; one submission).

Conditions:
LRP5-related disorder. Also called: LRP5-related condition.

gnomAD v4.1: 1 of 1,614,066 alleles (0.000062%); highest among the groups gnomAD compares: Non-Finnish European, 0.000085%; no homozygotes.

Submission:

PreventionGenetics, part of Exact Sciences
Classification: Likely benign for LRP5-related condition. Last evaluated: 2024-10-13. Review status: criteria provided, single submitter. Criteria: ACMG Guidelines, 2015. Collection method: clinical testing. Allele origin: germline.
Comment: This variant is classified as likely benign based on ACMG/AMP sequence variant interpretation guidelines (Richards et al. 2015 PMID: 25741868, with internal and published modifications).

NM_002335.4(LRP5):c.1497T>C (p.Asn499=)

Gene: LRP5 (LDL receptor related protein 5; plus strand). Cytogenetic location: 11q13.2.
Variant type: single nucleotide variant.
Coding change: c.1497T>C on transcript NM_002335.4 (MANE Select); coding-DNA position 1497, T replaced by C.
Protein change: p.Asn499=; no amino-acid change (asparagine 499 retained).
Molecular consequence: synonymous variant. On other transcripts: intron variant (1).
Genome position (GRCh38, 1-based): chr11:68,389,965, T>C. VCF-style: chr11-68389965-T-C. GRCh37 (hg19) VCF-style: chr11-68157433-T-C.
Other names: c.-354+3253T>C (NM_001291902.2).
Identifiers: ClinVar variation 4984543 (VCV004984543.1).